The following is an entry in ClinVar:

ClinVar aggregate classification (germline): Uncertain significance (1 of 4 stars; one submission).

Conditions:
Charcot-Marie-Tooth disease type 2. Also called: Charcot-Marie-Tooth type 2. Identifiers: Orphanet 64746, MedGen C0270914, MONDO:0018993.

Submission:

Labcorp Genetics (formerly Invitae), Labcorp
Classification: Uncertain significance for Charcot-Marie-Tooth disease type 2. Last evaluated: 2024-07-21. Review status: criteria provided, single submitter. Criteria: Invitae Variant Classification Sherloc (09022015). Collection method: clinical testing. Allele origin: germline.
Comment: This sequence change replaces proline, which is neutral and non-polar, with leucine, which is neutral and non-polar, at codon 264 of the BSCL2 protein (p.Pro264Leu). This variant is not present in population databases (gnomAD no frequency). This variant has not been reported in the literature in individuals affected with BSCL2-related conditions. Advanced modeling of protein sequence and biophysical properties (such as structural, functional, and spatial information, amino acid conservation, physicochemical variation, residue mobility, and thermodynamic stability) performed at Invitae indicates that this missense variant is not expected to disrupt BSCL2 protein function with a negative predictive value of 80%. In summary, the available evidence is currently insufficient to determine the role of this variant in disease. Therefore, it has been classified as a Variant of Uncertain Significance.

NM_001122955.4(BSCL2):c.983C>T (p.Pro328Leu)

Genes: BSCL2 (BSCL2 lipid droplet biogenesis associated, seipin; minus strand), HNRNPUL2-BSCL2 (HNRNPUL2-BSCL2 readthrough (NMD candidate); minus strand). Cytogenetic location: 11q12.3.
Variant type: single nucleotide variant.
Coding change: c.983C>T on transcript NM_001122955.4 (MANE Select); coding-DNA position 983, C replaced by T.
Protein change: p.Pro328Leu; replaces proline 328 with leucine.
Molecular consequence: missense variant. On other transcripts: non-coding transcript variant (1), intron variant (1).
Genome position (GRCh38, 1-based): chr11:62,691,302, G>A on the plus strand (C>T on the coding strand, the complement: BSCL2 is on the minus strand). VCF-style: chr11-62691302-G-A. GRCh37 (hg19) VCF-style: chr11-62458774-G-A.
Other names: c.983C>T, p.Pro328Leu (NM_001386027.1, NM_001386028.1); c.791C>T, p.Pro264Leu (NM_032667.6); c.672-161C>T (NM_001130702.2); short protein forms P264L, P328L.
Identifiers: ClinVar variation 3660068 (VCV003660068.2).
Genomic context (GRCh38, chr11:62,691,302, plus strand): 5'-GATCAAAGGGACAAAAGGGGGTCCTTGCCCCTTTCGACCTGCAAAGAGAAGCGGTGTCGG[G>A]GCCAGATGCCCCCCCACACCCACTGCATGTAGCTGAAGAGCACGATGACGCTGAGGAAGG-3'
Protein context (NP_001116427.1, residues 318-338): YMQWVWGGIW[Pro328Leu]RHRFSLQVNI